The following is an entry in ClinVar:

NM_000396.4(CTSK):c.915del (p.Gly306fs)

Gene: CTSK (cathepsin K; minus strand). Cytogenetic location: 1q21.3.
Variant type: Deletion.
Coding change: c.915del on transcript NM_000396.4 (MANE Select); coding-DNA position 915, one base deleted (A; older notation c.915delA).
Protein change: p.Gly306fs; shifts the reading frame from glycine 306.
Molecular consequence: frameshift variant.
Genome position (GRCh38, 1-based): chr1:150,796,874, T deleted on the plus strand (A on the coding strand, the reverse complement: CTSK is on the minus strand); the first of 3 consecutive T bases (chr1:150,796,874-150,796,876); deleting any one gives the same sequence. VCF-style (leftmost placement, unchanged base first): chr1-150796873-CT-C. GRCh37 (hg19) VCF-style: chr1-150769349-CT-C.
Other names: short protein forms G306fs.
Identifiers: ClinVar variation 3614250 (VCV003614250.2).

ClinVar aggregate classification (germline): Pathogenic (1 of 4 stars; one submission).

Submission:

Labcorp Genetics (formerly Invitae), Labcorp
Classification: Pathogenic. Last evaluated: 2024-10-03. Review status: criteria provided, single submitter. Criteria: Invitae Variant Classification Sherloc (09022015). Collection method: clinical testing. Allele origin: germline.
Comment: This sequence change results in a frameshift in the CTSK gene (p.Gly306Aspfs*61). While this is not anticipated to result in nonsense mediated decay, it is expected to disrupt the last 24 amino acid(s) of the CTSK protein and extend the protein by 36 additional amino acid residues. This variant is present in population databases (rs763968223, gnomAD 0.003%). This variant has not been reported in the literature in individuals affected with CTSK-related conditions. This variant disrupts a region of the CTSK protein in which other variant(s) (p.Cys318Tyr) have been determined to be pathogenic (PMID: 20814951, 24057333, 27558267). This suggests that this is a clinically significant region of the protein, and that variants that disrupt it are likely to be disease-causing. For these reasons, this variant has been classified as Pathogenic.

Literature cited by the submitters: PubMed 20814951; PubMed 24057333; PubMed 27558267.